The following is an entry in ClinVar:

ClinVar aggregate classification (germline): Conflicting classifications of pathogenicity. Review status: criteria provided, conflicting classifications (1 of 4 stars). 4 submissions from 4 submitters: Uncertain significance (2); Benign (1); Likely benign (1). Last evaluated 2025-12-03.

Conditions:
Collagen 6-related myopathy. Identifiers: MedGen CN117976, MONDO:0100225.
Bethlem myopathy 1A. Also called: Bethlem myopathy 1; Bethlem Muscular Dystrophy; MYOPATHY, BENIGN CONGENITAL, WITH CONTRACTURES. Identifiers: Orphanet 610, MedGen CN029274, MONDO:0024530, OMIM 158810.

Allele frequency attached by ClinVar (database versions not stated): ESP Exome Variant Server 0.00008; TOPMed 0.00008; gnomAD 0.00010 and 0.00011; gnomAD exomes 0.00010 and 0.00012; ExAC 0.00013.
gnomAD v4.1: 168 of 1,612,854 alleles (0.01%); highest among the groups gnomAD compares: East Asian, 0.022%; no homozygotes.

Submissions (4):

Labcorp Genetics (formerly Invitae), Labcorp
Classification: Likely benign for Bethlem myopathy 1A. Last evaluated: 2025-12-03. Review status: criteria provided, single submitter. Criteria: Invitae Variant Classification Sherloc (09022015). Collection method: clinical testing. Allele origin: germline.

CeGaT Center for Human Genetics Tuebingen
Classification: Uncertain significance. Last evaluated: 2018-03-01. Review status: criteria provided, single submitter. Criteria: CeGaT Center For Human Genetics Tuebingen Variant Classification Criteria Version 2. Collection method: clinical testing. Allele origin: germline. Affected: yes. Observed: 1 variant allele.

Illumina Laboratory Services, Illumina
Classification: Benign for Collagen VI-related myopathy. Last evaluated: 2018-01-13. Review status: criteria provided, single submitter. Criteria: ICSL Variant Classification Criteria 13 December 2019. Collection method: clinical testing. Allele origin: germline.
Comment: This variant was observed in the ICSL laboratory as part of a predisposition screen in an ostensibly healthy population. It had not been previously curated by ICSL or reported in the Human Gene Mutation Database (HGMD: prior to June 1st, 2018), and was therefore a candidate for classification through an automated scoring system. Utilizing variant allele frequency, disease prevalence and penetrance estimates, and inheritance mode, an automated score was calculated to assess if this variant is too frequent to cause the disease. Based on the score and internal cut-off values, a variant classified as benign is not then subjected to further curation. The score for this variant resulted in a classification of benign for this disease.

Eurofins Ntd Llc (ga)
Classification: Uncertain significance. Last evaluated: 2016-05-17. Review status: criteria provided, single submitter. Criteria: EGL Classification Definitions 2015. Collection method: clinical testing. Allele origin: germline. Observed: 1 variant allele, 1 heterozygote.

NM_001848.3(COL6A1):c.931-5C>T

Gene: COL6A1 (collagen type VI alpha 1 chain; plus strand). Cytogenetic location: 21q22.3.
Variant type: single nucleotide variant.
Coding change: c.931-5C>T on transcript NM_001848.3 (MANE Select); 5 bases into the intron before coding-DNA position 931, C replaced by T.
Molecular consequence: intron variant.
Genome position (GRCh38, 1-based): chr21:45,990,253, C>T. VCF-style: chr21-45990253-C-T. GRCh37 (hg19) VCF-style: chr21-47410167-C-T.
Identifiers: ClinVar variation 288115 (VCV000288115.60), dbSNP rs371841573, ClinGen allele CA10069909.